The following is an entry in ClinVar:

ClinVar aggregate classification (germline): Likely benign (0 of 4 stars; one submission).

Conditions:
PLXNB1-related disorder. Also called: PLXNB1-related condition.

Allele frequency attached by ClinVar (database versions not stated): ESP Exome Variant Server 0.00031.
gnomAD v4.1: 37 of 1,613,902 alleles (0.0023%); highest among the groups gnomAD compares: African/African-American, 0.037%; no homozygotes.

Submission:

PreventionGenetics, part of Exact Sciences
Classification: Likely benign for PLXNB1-related condition. Last evaluated: 2019-03-25. Review status: no assertion criteria provided. Collection method: clinical testing. Allele origin: germline.
Comment: This variant is classified as likely benign based on ACMG/AMP sequence variant interpretation guidelines (Richards et al. 2015 PMID: 25741868, with internal and published modifications).

NM_001130082.3(PLXNB1):c.4656C>T (p.Thr1552=)

Gene: PLXNB1 (plexin B1; minus strand). Cytogenetic location: 3p21.31.
Variant type: single nucleotide variant.
Coding change: c.4656C>T on transcript NM_001130082.3 (MANE Select); coding-DNA position 4656, C replaced by T.
Protein change: p.Thr1552=; no amino-acid change (threonine 1552 retained).
Molecular consequence: synonymous variant.
Genome position (GRCh38, 1-based): chr3:48,412,940, G>A on the plus strand (C>T on the coding strand, the complement: PLXNB1 is on the minus strand). VCF-style: chr3-48412940-G-A. GRCh37 (hg19) VCF-style: chr3-48454349-G-A.
Other names: c.4656C>T, p.Thr1552= (NM_002673.6).
Identifiers: ClinVar variation 3057410 (VCV003057410.2), dbSNP rs145660723, ClinGen allele CA2374171.